The following is an entry in ClinVar:

NM_006269.2(RP1):c.2707T>C (p.Phe903Leu)

Gene: RP1 (RP1 axonemal microtubule associated; plus strand). Cytogenetic location: 8q12.1.
Variant type: single nucleotide variant.
Coding change: c.2707T>C on transcript NM_006269.2 (MANE Select); coding-DNA position 2707, T replaced by C.
Protein change: p.Phe903Leu; replaces phenylalanine 903 with leucine.
Molecular consequence: missense variant. On other transcripts: intron variant (1).
Genome position (GRCh38, 1-based): chr8:54,626,589, T>C. VCF-style: chr8-54626589-T-C. GRCh37 (hg19) VCF-style: chr8-55539149-T-C.
Other names: c.787+4301T>C (NM_001375654.1); c.2707T>C (NM_006269.1); short protein forms F903L.
Identifiers: ClinVar variation 1510657 (VCV001510657.7), dbSNP rs1806058137, ClinGen allele CA370994447.
Genomic context (GRCh38, chr8:54,626,589, plus strand): 5'-TTAAGTAAACAACATGCTACAACCAGGGCAAATTCTTTAGCTTCTTTGAAAAAACCTGAT[T>C]TTCCTGAGGCTATTGCTCATCATTCAATTCAAAATTATATACAGAGTTGGTTGCAGAACA-3'
Protein context (NP_006260.1, residues 893-913): NSLASLKKPD[Phe903Leu]PEAIAHHSIQ

ClinVar aggregate classification (germline): Uncertain significance. Review status: criteria provided, multiple submitters, no conflicts (2 of 4 stars). 2 submissions from 2 submitters: Uncertain significance (2). Last evaluated 2026-07-19.

Conditions:
Inborn genetic diseases. Identifiers: MedGen C0950123, MeSH D030342.

Allele frequency attached by ClinVar (database versions not stated): TOPMed 0.00001; gnomAD 0.00001.
gnomAD v4.1: 1 of 1,613,330 alleles (0.000062%); highest among the groups gnomAD compares: African/African-American, 0.0013%; no homozygotes.

Submissions (2):

Ambry Genetics
Classification: Uncertain significance for Inborn genetic diseases. Last evaluated: 2026-07-19. Review status: criteria provided, single submitter. Criteria: Ambry Variant Classification Scheme 2023. Collection method: clinical testing. Allele origin: germline.

Labcorp Genetics (formerly Invitae), Labcorp
Classification: Uncertain significance. Last evaluated: 2024-05-02. Review status: criteria provided, single submitter. Criteria: Invitae Variant Classification Sherloc (09022015). Collection method: clinical testing. Allele origin: germline.
Comment: This sequence change replaces phenylalanine, which is neutral and non-polar, with leucine, which is neutral and non-polar, at codon 903 of the RP1 protein (p.Phe903Leu). This variant is not present in population databases (gnomAD no frequency). This variant has not been reported in the literature in individuals affected with RP1-related conditions. ClinVar contains an entry for this variant (Variation ID: 1510657). Algorithms developed to predict the effect of missense changes on protein structure and function output the following: SIFT: "Not Available"; PolyPhen-2: "Benign"; Align-GVGD: "Not Available". The leucine amino acid residue is found in multiple mammalian species, which suggests that this missense change does not adversely affect protein function. In summary, the available evidence is currently insufficient to determine the role of this variant in disease. Therefore, it has been classified as a Variant of Uncertain Significance.